The following is an entry in ClinVar:

NM_005751.5(AKAP9):c.4796A>G (p.Gln1599Arg)

Gene: AKAP9 (A-kinase anchoring protein 9; plus strand). Cytogenetic location: 7q21.2.
Variant type: single nucleotide variant.
Coding change: c.4796A>G on transcript NM_005751.5 (MANE Select); coding-DNA position 4796, A replaced by G.
Protein change: p.Gln1599Arg; replaces glutamine 1599 with arginine.
Molecular consequence: missense variant.
Genome position (GRCh38, 1-based): chr7:92,040,777, A>G. VCF-style: chr7-92040777-A-G. GRCh37 (hg19) VCF-style: chr7-91670091-A-G.
Other names: c.4796A>G, p.Gln1599Arg (NM_147185.3); short protein forms Q1599R.
Identifiers: ClinVar variation 2098791 (VCV002098791.4), dbSNP rs748006421, ClinGen allele CA4336659.

ClinVar aggregate classification (germline): Uncertain significance (1 of 4 stars; one submission).

Conditions:
Long QT syndrome (LQTS). Identifiers: MedGen C0023976, MeSH D008133, MONDO:0002442. Disease mechanism: loss of function. Inheritance: Various modes of inheritance.

Allele frequency attached by ClinVar (database versions not stated): gnomAD exomes below 0.00001; ExAC 0.00001.
gnomAD v4.1: 3 of 1,614,044 alleles (0.00019%); highest among the groups gnomAD compares: African/African-American, 0.0027%; no homozygotes.

Submission:

Labcorp Genetics (formerly Invitae), Labcorp
Classification: Uncertain significance for Long QT syndrome. Last evaluated: 2022-04-08. Review status: criteria provided, single submitter. Criteria: Invitae Variant Classification Sherloc (09022015). Collection method: clinical testing. Allele origin: germline.
Comment: This sequence change replaces glutamine, which is neutral and polar, with arginine, which is basic and polar, at codon 1599 of the AKAP9 protein (p.Gln1599Arg). This variant is present in population databases (rs748006421, gnomAD 0.007%). This variant has not been reported in the literature in individuals affected with AKAP9-related conditions. Algorithms developed to predict the effect of missense changes on protein structure and function are either unavailable or do not agree on the potential impact of this missense change (SIFT: "Deleterious"; PolyPhen-2: "Benign"; Align-GVGD: "Class C0"). In summary, the available evidence is currently insufficient to determine the role of this variant in disease. Therefore, it has been classified as a Variant of Uncertain Significance.